The following is an entry in ClinVar:

ClinVar aggregate classification (germline): Likely benign. Review status: criteria provided, multiple submitters, no conflicts (2 of 4 stars). 3 submissions from 3 submitters: Likely benign (3). Last evaluated 2026-01-16.

Conditions:
Congenital myotonia, autosomal dominant form (THD). Also called: THOMSEN DISEASE; Myotonia congenita autosomal dominant. Identifiers: Orphanet 614, MedGen C2936781, MONDO:0008055, OMIM 160800.
Congenital myotonia, autosomal recessive form. Also called: BECKER DISEASE; Becker Generalized Myotonia; myotonia congenita, autosomal recessive. Identifiers: Orphanet 614, MedGen C0751360, MONDO:0009715, OMIM 255700.

Allele frequency attached by ClinVar (database versions not stated): gnomAD exomes 0.00002; gnomAD 0.00007; TOPMed 0.00009.

Submissions (3):

Labcorp Genetics (formerly Invitae), Labcorp
Classification: Likely benign for Congenital myotonia, autosomal recessive form; Congenital myotonia, autosomal dominant form. Last evaluated: 2026-01-16. Review status: criteria provided, single submitter. Criteria: Invitae Variant Classification Sherloc (09022015). Collection method: clinical testing. Allele origin: germline.

Women's Health and Genetics/Laboratory Corporation of America, LabCorp
Classification: Likely benign. Last evaluated: 2025-09-24. Review status: criteria provided, single submitter. Criteria: LabCorp Variant Classification Summary - May 2015. Collection method: clinical testing. Allele origin: germline.

Mayo Clinic Laboratories, Mayo Clinic
Classification: Likely benign. Last evaluated: 2025-06-26. Review status: criteria provided, single submitter. Criteria: ACMG Guidelines, 2015. Collection method: clinical testing. Allele origin: germline. Observed: 1 variant allele.
Comment: BP4, BP7

NM_000083.3(CLCN1):c.768A>G (p.Val256=)

Gene: CLCN1 (chloride voltage-gated channel 1; plus strand). Cytogenetic location: 7q34.
Variant type: single nucleotide variant.
Coding change: c.768A>G on transcript NM_000083.3 (MANE Select); coding-DNA position 768, A replaced by G.
Protein change: p.Val256=; no amino-acid change (valine 256 retained).
Molecular consequence: synonymous variant. On other transcripts: non-coding transcript variant (1).
Genome position (GRCh38, 1-based): chr7:143,323,380, A>G. VCF-style: chr7-143323380-A-G. GRCh37 (hg19) VCF-style: chr7-143020473-A-G.
Other names: p.Val256=.
Identifiers: ClinVar variation 2953881 (VCV002953881.5), dbSNP rs1020876724, ClinGen allele CA168257795.